The following is an entry in ClinVar:

ClinVar aggregate classification (germline): Conflicting classifications of pathogenicity. Review status: criteria provided, conflicting classifications (1 of 4 stars). 20 submissions from 16 submitters: Uncertain significance (3); Benign (8); Likely benign (5). 4 of the submissions do not count toward it. Last evaluated 2026-01-28.

Conditions:
Dilated cardiomyopathy 1G (CMD1G). Identifiers: Orphanet 154, MedGen C1858763, MONDO:0011400, OMIM 604145.
Autosomal recessive limb-girdle muscular dystrophy type 2J (LGMDR10). Also called: Limb-girdle muscular dystrophy, type 2J; MUSCULAR DYSTROPHY, LIMB-GIRDLE, AUTOSOMAL RECESSIVE 10. Identifiers: Orphanet 140922, MedGen C1837342, MONDO:0012127, OMIM 608807.
Cardiomyopathy (CMYO). Also called: Cardiomyopathies. Identifiers: Orphanet 167848, MedGen C0878544, MONDO:0004994, HP:0001638. Inheritance: Various modes of inheritance.
Early-onset myopathy with fatal cardiomyopathy (CMYO5). Also called: Salih Myopathy; CONGENITAL MYOPATHY 5 WITH CARDIOMYOPATHY. Identifiers: Orphanet 289377, MedGen C2673677, MONDO:0012714, OMIM 611705. Disease mechanism: loss of function.
Myopathy, myofibrillar, 9, with early respiratory failure (MFM9). Also called: Hereditary myopathy with early respiratory failure; Myopathy, distal, with early respiratory failure, autosomal dominant; EDSTROM MYOPATHY; MYOPATHY, PROXIMAL, WITH EARLY RESPIRATORY MUSCLE INVOLVEMENT. Identifiers: Orphanet 178464, Orphanet 34521, MedGen C1863599, MONDO:0011362, OMIM 603689.
Tibial muscular dystrophy (TMD). Also called: Udd Distal Myopathy – Tibial Muscular Dystrophy; Tibial muscular dystrophy, tardive; UDD MYOPATHY. Identifiers: Orphanet 609, MedGen C1838244, MONDO:0010870, OMIM 600334.

Allele frequency attached by ClinVar (database versions not stated): 1000 Genomes Project 0.00020; 1000 Genomes Project 30x 0.00031; ESP Exome Variant Server 0.00058; TOPMed 0.00072; ExAC 0.00094; gnomAD exomes 0.00102 and 0.00145; gnomAD 0.00109 and 0.00119.
gnomAD v4.1: 2,270 of 1,613,610 alleles (0.14%); highest among the groups gnomAD compares: Non-Finnish European, 0.16%; 4 homozygotes.

Submissions (20):

Labcorp Genetics (formerly Invitae), Labcorp
Classification: Benign for Dilated cardiomyopathy 1G; Autosomal recessive limb-girdle muscular dystrophy type 2J. Last evaluated: 2026-01-28. Review status: criteria provided, single submitter. Criteria: Invitae Variant Classification Sherloc (09022015). Collection method: clinical testing. Allele origin: germline.

CeGaT Center for Human Genetics Tuebingen
Classification: Likely benign. Last evaluated: 2026-01-01. Review status: criteria provided, single submitter. Criteria: CeGaT Center For Human Genetics Tuebingen Variant Classification Criteria Version 2. Collection method: clinical testing. Allele origin: germline. Affected: yes. Observed: 5 variant alleles.
Comment: TTN: BP4, BP7

Molecular Diagnostic Laboratory for Inherited Cardiovascular Disease, Montreal Heart Institute
Classification: Benign. Last evaluated: 2025-04-09. Review status: criteria provided, single submitter. Criteria: ACMG Guidelines, 2015. Collection method: clinical testing. Allele origin: germline. Affected: no.

Blueprint Genetics
Classification: Likely benign. Last evaluated: 2024-11-21. Review status: criteria provided, single submitter. Criteria: ACMG Guidelines, 2015. Collection method: clinical testing. Allele origin: germline.

Mayo Clinic Laboratories, Mayo Clinic
Classification: Benign. Last evaluated: 2024-06-05. Review status: criteria provided, single submitter. Criteria: ACMG Guidelines, 2015. Collection method: clinical testing. Allele origin: germline. Observed: 4 variant alleles.
Comment: BS1, BS2, BP4, BP7

CHEO Genetics Diagnostic Laboratory, Children's Hospital of Eastern Ontario
Classification: Likely benign for Cardiomyopathy. Last evaluated: 2023-05-11. Review status: criteria provided, single submitter. Criteria: ACMG Guidelines, 2015. Collection method: clinical testing. Allele origin: germline. Study: Canadian Open Genetics Repository.

Women's Health and Genetics/Laboratory Corporation of America, LabCorp
Classification: Benign. Last evaluated: 2020-05-16. Review status: criteria provided, single submitter. Criteria: LabCorp Variant Classification Summary - May 2015. Collection method: clinical testing. Allele origin: germline.

Illumina Laboratory Services, Illumina
Classification: Uncertain significance for Early-onset myopathy with fatal cardiomyopathy. Last evaluated: 2018-03-23. Review status: criteria provided, single submitter. Criteria: ICSL Variant Classification Criteria 13 December 2019. Collection method: clinical testing. Allele origin: germline.

Illumina Laboratory Services, Illumina
Classification: Uncertain significance for Autosomal recessive limb-girdle muscular dystrophy type 2J. Last evaluated: 2018-03-23. Review status: criteria provided, single submitter. Criteria: ICSL Variant Classification Criteria 13 December 2019. Collection method: clinical testing. Allele origin: germline.

Illumina Laboratory Services, Illumina
Classification: Uncertain significance for Dilated cardiomyopathy 1G. Last evaluated: 2018-03-23. Review status: criteria provided, single submitter. Criteria: ICSL Variant Classification Criteria 13 December 2019. Collection method: clinical testing. Allele origin: germline.

Illumina Laboratory Services, Illumina
Classification: Benign for Myopathy, myofibrillar, 9, with early respiratory failure. Last evaluated: 2018-03-20. Review status: criteria provided, single submitter. Criteria: ICSL Variant Classification Criteria 13 December 2019. Collection method: clinical testing. Allele origin: germline.
Comment: This variant was observed in the ICSL laboratory as part of a predisposition screen in an ostensibly healthy population. It had not been previously curated by ICSL or reported in the Human Gene Mutation Database (HGMD: prior to June 1st, 2018), and was therefore a candidate for classification through an automated scoring system. Utilizing variant allele frequency, disease prevalence and penetrance estimates, and inheritance mode, an automated score was calculated to assess if this variant is too frequent to cause the disease. Based on the score and internal cut-off values, a variant classified as benign is not then subjected to further curation. The score for this variant resulted in a classification of benign for this disease.

Illumina Laboratory Services, Illumina
Classification: Benign for Tibial muscular dystrophy. Last evaluated: 2018-03-20. Review status: criteria provided, single submitter. Criteria: ICSL Variant Classification Criteria 13 December 2019. Collection method: clinical testing. Allele origin: germline.
Comment: the same text as in the submission from Illumina Laboratory Services, Illumina above.

Athena Diagnostics
Classification: Benign. Last evaluated: 2016-12-15. Review status: criteria provided, single submitter. Criteria: Athena Diagnostics Criteria. Collection method: clinical testing. Allele origin: germline.

Eurofins Ntd Llc (ga)
Classification: Likely benign. Last evaluated: 2015-07-10. Review status: criteria provided, single submitter. Criteria: EGL Classification Definitions 2015. Collection method: clinical testing. Allele origin: germline. Observed: 1 variant allele, 1 heterozygote.

GeneDx
Classification: Benign. Last evaluated: 2015-03-03. Review status: criteria provided, single submitter. Criteria: GeneDx Variant Classification Process June 2021. Collection method: clinical testing. Allele origin: germline. Affected: yes.

Laboratory for Molecular Medicine, Mass General Brigham Personalized Medicine
Classification: Likely benign. Last evaluated: 2012-03-19. Review status: criteria provided, single submitter. Criteria: LMM Criteria. Collection method: clinical testing. Allele origin: germline. Observed: 5 variant alleles.
Comment: Asn7569Asn in exon 88 of TTN: This variant is not expected to have clinical sign ificance because it does not alter an amino acid residue and is not located with in the splice consensus sequence. It has been identified in 0.1% (6/6644) of Eur opean American chromosomes from a broad population by the NHLBI Exome Sequencing Project. Asn7569Asn in exon 88 of TTN (alle le frequency = 0.1%, 6/6644) **

Clinical Genetics DNA and cytogenetics Diagnostics Lab, Erasmus MC, Erasmus Medical Center
Classification: Likely benign. Review status: no assertion criteria provided. Collection method: clinical testing. Allele origin: germline. Affected: yes. Study: VKGL Data-share Consensus. Not counted in ClinVar's aggregate classification.

Clinical Genetics, Academic Medical Center
Classification: Benign. Review status: no assertion criteria provided. Collection method: clinical testing. Allele origin: germline. Affected: yes. Study: VKGL Data-share Consensus. Not counted in ClinVar's aggregate classification.

Diagnostic Laboratory, Department of Genetics, University Medical Center Groningen
Classification: Likely benign. Review status: no assertion criteria provided. Collection method: clinical testing. Allele origin: germline. Affected: yes. Study: VKGL Data-share Consensus. Not counted in ClinVar's aggregate classification.

Laboratory of Diagnostic Genome Analysis, Leiden University Medical Center (LUMC)
Classification: Likely benign. Review status: no assertion criteria provided. Collection method: clinical testing. Allele origin: germline. Affected: yes. Study: VKGL Data-share Consensus. Not counted in ClinVar's aggregate classification.

NM_001267550.2(TTN):c.26439C>T (p.Asn8813=)

Gene: TTN (titin; minus strand). Cytogenetic location: 2q31.2.
Variant type: single nucleotide variant.
Coding change: c.26439C>T on transcript NM_001267550.2 (MANE Select); coding-DNA position 26439, C replaced by T.
Protein change: p.Asn8813=; no amino-acid change (asparagine 8813 retained).
Molecular consequence: synonymous variant. On other transcripts: intron variant (3).
Genome position (GRCh38, 1-based): chr2:178,714,335, G>A on the plus strand (C>T on the coding strand, the complement: TTN is on the minus strand). VCF-style: chr2-178714335-G-A. GRCh37 (hg19) VCF-style: chr2-179579062-G-A.
Other names: p.Asn8496=; c.25488C>T, p.Asn8496= (NM_001256850.1); c.22707C>T, p.Asn7569= (NM_133378.4); c.13282+23747C>T (NM_003319.4); c.13858+23747C>T (NM_133437.4); c.13657+23747C>T (NM_133432.3).
Identifiers: ClinVar variation 46778 (VCV000046778.61), dbSNP rs200088963, ClinGen allele CA139171.